The following is an entry in ClinVar:

ClinVar aggregate classification (germline): Uncertain significance. Review status: criteria provided, multiple submitters, no conflicts (2 of 4 stars). 2 submissions from 2 submitters: Uncertain significance (2). Last evaluated 2024-12-23.

Conditions:
Inborn genetic diseases. Identifiers: MedGen C0950123, MeSH D030342.

Allele frequency attached by ClinVar (database versions not stated): TOPMed 0.00001.
gnomAD v4.1: 1 of 1,613,626 alleles (0.000062%); highest among the groups gnomAD compares: Non-Finnish European, 0.000085%; no homozygotes.

Submissions (2):

Ambry Genetics
Classification: Uncertain significance for Inborn genetic diseases. Last evaluated: 2024-12-23. Review status: criteria provided, single submitter. Criteria: Ambry Variant Classification Scheme 2023. Collection method: clinical testing. Allele origin: germline.
Comment: The p.L84V variant (also known as c.250C>G), located in coding exon 2 of the ANKRD26 gene, results from a C to G substitution at nucleotide position 250. The leucine at codon 84 is replaced by valine, an amino acid with highly similar properties. This amino acid position is conserved. In addition, the in silico prediction for this alteration is inconclusive. Based on the available evidence, the clinical significance of this variant remains unclear.

GeneDx
Classification: Uncertain significance. Last evaluated: 2022-10-20. Review status: criteria provided, single submitter. Criteria: GeneDx Variant Classification Process June 2021. Collection method: clinical testing. Allele origin: germline. Affected: yes.
Comment: Not observed at significant frequency in large population cohorts (gnomAD); In silico analysis supports that this missense variant does not alter protein structure/function; Has not been previously published as pathogenic or benign to our knowledge

NM_014915.3(ANKRD26):c.250C>G (p.Leu84Val)

Gene: ANKRD26 (ankyrin repeat domain containing 26; minus strand). Cytogenetic location: 10p12.1.
Variant type: single nucleotide variant.
Coding change: c.250C>G on transcript NM_014915.3 (MANE Select); coding-DNA position 250, C replaced by G.
Protein change: p.Leu84Val; replaces leucine 84 with valine.
Molecular consequence: missense variant.
Genome position (GRCh38, 1-based): chr10:27,093,792, G>C on the plus strand (C>G on the coding strand, the complement: ANKRD26 is on the minus strand). VCF-style: chr10-27093792-G-C. GRCh37 (hg19) VCF-style: chr10-27382721-G-C.
Other names: c.250C>G, p.Leu84Val (NM_001256053.2); short protein forms L84V.
Identifiers: ClinVar variation 2499736 (VCV002499736.2), dbSNP rs1224128760, ClinGen allele CA376368663.
Genomic context (GRCh38, chr10:27,093,792, plus strand): 5'-ATTTTCTGTCCACCAGGAGAGTTACTACTTCTGGATGACCATTGGCACAGGCCAAATGTA[G>C]AGCCGTCCTATGAGAGTGACAGGACTTTTTATAAACTGTAGTGCACTGTCTCAAAACATA-3'
Protein context (NP_055730.2, residues 74-94): NDRDKMNRTA[Leu84Val]HLACANGHPE